The following is an entry in ClinVar:

ClinVar aggregate classification (germline): Uncertain significance (1 of 4 stars; one submission).

Conditions:
Autosomal recessive ataxia, Beauce type. Also called: SYNE1-Related Autosomal Recessive Cerebellar Ataxia; Spinocerebellar ataxia, autosomal recessive 8; ATAXIA, RECESSIVE, OF BEAUCE; SYNE1 Deficiency. Identifiers: Orphanet 88644, MedGen C1853116, MONDO:0012549, OMIM 610743.
Emery-Dreifuss muscular dystrophy 4, autosomal dominant (EDMD4). Also called: EMERY-DREIFUSS MUSCULAR DYSTROPHY 4 WITH VARIABLE FEATURES. Identifiers: Orphanet 261, MedGen C2751807, MONDO:0013071, OMIM 612998.

Submission:

Labcorp Genetics (formerly Invitae), Labcorp
Classification: Uncertain significance for Emery-Dreifuss muscular dystrophy 4, autosomal dominant; Autosomal recessive ataxia, Beauce type. Last evaluated: 2022-07-06. Review status: criteria provided, single submitter. Criteria: Invitae Variant Classification Sherloc (09022015). Collection method: clinical testing. Allele origin: germline.
Comment: In summary, the available evidence is currently insufficient to determine the role of this variant in disease. Therefore, it has been classified as a Variant of Uncertain Significance. Algorithms developed to predict the effect of missense changes on protein structure and function (SIFT, PolyPhen-2, Align-GVGD) all suggest that this variant is likely to be disruptive. ClinVar contains an entry for this variant (Variation ID: 1474643). This variant has not been reported in the literature in individuals affected with SYNE1-related conditions. This variant is not present in population databases (gnomAD no frequency). This sequence change replaces tryptophan, which is neutral and slightly polar, with cysteine, which is neutral and slightly polar, at codon 2074 of the SYNE1 protein (p.Trp2074Cys).

NM_182961.4(SYNE1):c.6201G>C (p.Trp2067Cys)

Gene: SYNE1 (spectrin repeat containing nuclear envelope protein 1; minus strand). Cytogenetic location: 6q25.2.
Variant type: single nucleotide variant.
Coding change: c.6201G>C on transcript NM_182961.4 (MANE Select); coding-DNA position 6201, G replaced by C.
Protein change: p.Trp2067Cys; replaces tryptophan 2067 with cysteine.
Molecular consequence: missense variant.
Genome position (GRCh38, 1-based): chr6:152,413,381, C>G on the plus strand (G>C on the coding strand, the complement: SYNE1 is on the minus strand). VCF-style: chr6-152413381-C-G. GRCh37 (hg19) VCF-style: chr6-152734516-C-G.
Other names: c.6222G>C, p.Trp2074Cys (NM_033071.5); short protein forms W2067C, W2074C.
Identifiers: ClinVar variation 1474643 (VCV001474643.6), dbSNP rs2154176931, ClinGen allele CA366129034.